The following is an entry in ClinVar:

ClinVar aggregate classification (germline): Uncertain significance (1 of 4 stars; one submission).

gnomAD v4.1: 34 of 1,613,342 alleles (0.0021%); highest among the groups gnomAD compares: Non-Finnish European, 0.0024%; 1 homozygote.

Submission:

Ambry Genetics
Classification: Uncertain significance. Last evaluated: 2024-12-23. Review status: criteria provided, single submitter. Criteria: Ambry Variant Classification Scheme 2023. Collection method: clinical testing. Allele origin: germline.
Comment: The p.R18C variant (also known as c.52C>T), located in coding exon 1 of the RAD51B gene, results from a C to T substitution at nucleotide position 52. The arginine at codon 18 is replaced by cysteine, an amino acid with highly dissimilar properties. This amino acid position is highly conserved in available vertebrate species. In addition, the in silico prediction for this alteration is inconclusive. The evidence for this gene-disease relationship is limited; therefore, the clinical significance of this alteration is unclear.

NM_133510.4(RAD51B):c.52C>T (p.Arg18Cys)

Gene: RAD51B (RAD51 paralog B; plus strand). Cytogenetic location: 14q24.1.
Variant type: single nucleotide variant.
Coding change: c.52C>T on transcript NM_133510.4 (MANE Select); coding-DNA position 52, C replaced by T.
Protein change: p.Arg18Cys; replaces arginine 18 with cysteine.
Molecular consequence: missense variant. On other transcripts: 5 prime UTR variant (2).
Genome position (GRCh38, 1-based): chr14:67,823,595, C>T. VCF-style: chr14-67823595-C-T. GRCh37 (hg19) VCF-style: chr14-68290312-C-T.
Other names: c.52C>T, p.Arg18Cys (NM_001321809.2, NM_001321810.2, NM_001321812.1 and 6 more transcripts); c.-63C>T (NM_001321815.1); c.-404C>T (NM_001321817.2); short protein forms R18C.
Identifiers: ClinVar variation 3786356 (VCV003786356.1).